The following is an entry in ClinVar:

ClinVar aggregate classification (germline): Likely pathogenic (1 of 4 stars; one submission).

Conditions:
Glycogen storage disease type III (GSD3). Also called: FORBES DISEASE; Cori disease. Identifiers: Orphanet 366, MedGen C0017922, MONDO:0009291, OMIM 232400.

Submission:

Natera, Inc.
Classification: Likely pathogenic for Glycogen storage disease type III. Last evaluated: 2025-07-25. Review status: criteria provided, single submitter. Criteria: Natera Variant Classification Schema (03/2026). Collection method: clinical testing. Allele origin: germline.
Comment: The c.3766del variant in AGL is a frameshift variant predicted to shift the reading frame beginning at codon 1256 and leads to a stop codon 34 codons downstream. This variant is expected to result in nonsense mediated decay, truncation, or a dysfunctional protein product. This variant is rare in the general population with a frequency below the threshold expected for the associated phenotype(s). Given the available evidence, this variant is classified as Likely Pathogenic.

NM_000642.3(AGL):c.3766del (p.Cys1256fs)

Gene: AGL (amylo-alpha-1,6-glucosidase and 4-alpha-glucanotransferase; plus strand). Cytogenetic location: 1p21.2.
Variant type: Deletion.
Coding change: c.3766del on transcript NM_000642.3 (MANE Select); coding-DNA position 3766, one base deleted (T; older notation c.3766delT).
Protein change: p.Cys1256fs; shifts the reading frame from cysteine 1256.
Molecular consequence: frameshift variant.
Genome position (GRCh38, 1-based): chr1:99,910,777, T deleted; the last of 2 consecutive T bases (chr1:99,910,776-99,910,777); deleting either gives the same sequence. VCF-style (leftmost placement, unchanged base first): chr1-99910775-AT-A. GRCh37 (hg19) VCF-style: chr1-100376331-AT-A.
Other names: c.3427del, p.Cys1143fs (NM_001425329.1); c.3388del, p.Cys1130fs (NM_001425332.1); c.3766del, p.Cys1256fs (NM_000028.3, NM_000643.3, NM_000644.3 and 1 more transcripts); c.3718del, p.Cys1240fs (NM_000646.3); c.3745del, p.Cys1249fs (NM_001425326.1); c.3565del, p.Cys1189fs (NM_001425327.1); c.3562del, p.Cys1188fs (NM_001425328.1); short protein forms C1130fs, C1143fs, C1188fs, C1189fs, C1240fs, C1249fs, C1256fs.
Identifiers: ClinVar variation 4814450 (VCV004814450.1).